The following is an entry in ClinVar:

NM_000138.5(FBN1):c.8011_8012del (p.Leu2671fs)

Gene: FBN1 (fibrillin 1; minus strand). Cytogenetic location: 15q21.1.
Variant type: Deletion.
Coding change: c.8011_8012del on transcript NM_000138.5 (MANE Select); coding-DNA positions 8011 to 8012, 2 bases deleted (CT; older notation c.8011_8012delCT).
Protein change: p.Leu2671fs; shifts the reading frame from leucine 2671.
Molecular consequence: frameshift variant.
Genome position (GRCh38, 1-based): chr15:48,415,575-48,415,576, AG deleted on the plus strand (CT on the coding strand, the reverse complement: FBN1 is on the minus strand). VCF-style (leftmost placement, unchanged base first): chr15-48415574-CAG-C. GRCh37 (hg19) VCF-style: chr15-48707771-CAG-C.
Other names: short protein forms L2671fs.
Identifiers: ClinVar variation 1443079 (VCV001443079.8), dbSNP rs2141214616, ClinGen allele CA2573150947.

ClinVar aggregate classification (germline): Pathogenic (1 of 4 stars; one submission).

Conditions:
Marfan syndrome (MFS). Also called: MARFAN SYNDROME, TYPE I; Marfan syndrome type 1; Marfan's syndrome; Marfan syndrome, classic; FBN1-Related Marfan Syndrome. Identifiers: Orphanet 284963, Orphanet 558, MedGen C0024796, MONDO:0007947, OMIM 154700.
Familial thoracic aortic aneurysm and aortic dissection (TAAD). Also called: Thoracic aortic aneurysms and dissections. Identifiers: Orphanet 91387, MedGen C4707243, MONDO:0019625.

Submission:

Labcorp Genetics (formerly Invitae), Labcorp
Classification: Pathogenic for Marfan syndrome; Familial thoracic aortic aneurysm and aortic dissection. Last evaluated: 2020-11-22. Review status: criteria provided, single submitter. Criteria: Invitae Variant Classification Sherloc (09022015). Collection method: clinical testing. Allele origin: germline.
Comment: This variant is not present in population databases (ExAC no frequency). For these reasons, this variant has been classified as Pathogenic. This variant has been observed in individual(s) with clinical features of Marfan syndrome (PMID: 31830381). This sequence change creates a premature translational stop signal (p.Leu2671Valfs*33) in the FBN1 gene. It is expected to result in an absent or disrupted protein product. Loss-of-function variants in FBN1 are known to be pathogenic (PMID: 17657824, 19293843).

Literature cited by the submitters: PubMed 31830381; PubMed 17657824; PubMed 19293843.